The following is an entry in ClinVar:

ClinVar aggregate classification (germline): Uncertain significance. Review status: criteria provided, multiple submitters, no conflicts (2 of 4 stars). 2 submissions from 2 submitters: Uncertain significance (2). Last evaluated 2025-07-02.

Conditions:
Inborn genetic diseases. Identifiers: MedGen C0950123, MeSH D030342.

gnomAD v4.1: 15 of 1,604,168 alleles (0.00094%); highest among the groups gnomAD compares: South Asian, 0.0011%; no homozygotes.

Submissions (2):

Ambry Genetics
Classification: Uncertain significance for Inborn genetic diseases. Last evaluated: 2025-07-02. Review status: criteria provided, single submitter. Criteria: Ambry Variant Classification Scheme 2023. Collection method: clinical testing. Allele origin: germline.

Labcorp Genetics (formerly Invitae), Labcorp
Classification: Uncertain significance. Last evaluated: 2024-01-15. Review status: criteria provided, single submitter. Criteria: Invitae Variant Classification Sherloc (09022015). Collection method: clinical testing. Allele origin: germline.
Comment: This sequence change replaces aspartic acid, which is acidic and polar, with asparagine, which is neutral and polar, at codon 682 of the SLC26A1 protein (p.Asp682Asn). This variant is not present in population databases (gnomAD no frequency). This variant has not been reported in the literature in individuals affected with SLC26A1-related conditions. ClinVar contains an entry for this variant (Variation ID: 2058363). Advanced modeling of protein sequence and biophysical properties (such as structural, functional, and spatial information, amino acid conservation, physicochemical variation, residue mobility, and thermodynamic stability) performed at Invitae indicates that this missense variant is not expected to disrupt SLC26A1 protein function with a negative predictive value of 80%. In summary, the available evidence is currently insufficient to determine the role of this variant in disease. Therefore, it has been classified as a Variant of Uncertain Significance.

NM_022042.4(SLC26A1):c.2044G>A (p.Asp682Asn)

Genes: IDUA (alpha-L-iduronidase; plus strand), SLC26A1 (solute carrier family 26 member 1; minus strand). Cytogenetic location: 4p16.3.
Variant type: single nucleotide variant.
Coding change: c.2044G>A on transcript NM_022042.4 (MANE Select); coding-DNA position 2044, G replaced by A.
Protein change: p.Asp682Asn; replaces aspartic acid 682 with asparagine.
Molecular consequence: missense variant. On other transcripts: intron variant (2).
Genome position (GRCh38, 1-based): chr4:988,895, C>T on the plus strand (G>A on the coding strand, the complement: SLC26A1 is on the minus strand). VCF-style: chr4-988895-C-T. GRCh37 (hg19) VCF-style: chr4-982683-C-T.
Other names: c.2044G>A (NM_213613.2); c.2044G>A, p.Asp682Asn (NM_213613.4); c.576+2233G>A (NM_134425.4); c.299+946C>T (NM_000203.5); short protein forms D682N.
Identifiers: ClinVar variation 2058363 (VCV002058363.5), dbSNP rs2534014560, ClinGen allele CA355947821.
Genomic context (GRCh38, chr4:988,895, plus strand): 5'-ACAGATGGGCATCGGTGGCCTCCAGCTCCCTGTGGCGGGCTCGTGCTGTCTGCACGGCAT[C>T]GTGCACACTGAGGAACAGCTGCTCCTCCTCAGCCGTGTCCCCGGGGCCCTCCCCGAGGAA-3'
Protein context (NP_071325.2, residues 672-692): EEEQLFLSVH[Asp682Asn]AVQTARARHR